The following is an entry in ClinVar:

ClinVar aggregate classification (germline): Pathogenic. Review status: reviewed by expert panel (3 of 4 stars). 2 submissions from 2 submitters: Pathogenic (1). 1 of the submissions does not count toward it. Last evaluated 2024-04-16.

Conditions:
Glanzmann thrombasthenia. Also called: PLATELET GLYCOPROTEIN IIb-IIIa DEFICIENCY; THROMBASTHENIA OF GLANZMANN AND NAEGELI; Glanzmann's thrombasthenia; Thrombasthenia. Identifiers: Orphanet 849, MedGen C0040015, MONDO:0100326.
Glanzmann thrombasthenia 1 (GT1). Also called: BLEEDING DISORDER, PLATELET-TYPE, 2; GP IIb-IIIa COMPLEX DEFICIENCY; GLYCOPROTEIN COMPLEX IIb-IIIa DEFICIENCY; PLATELET FIBRINOGEN RECEPTOR DEFICIENCY. Identifiers: MedGen CN300358, MONDO:0031332, OMIM 273800.

Allele frequency attached by ClinVar (database versions not stated): ExAC 0.00002.
gnomAD v4.1: 2 of 1,614,202 alleles (0.00012%); highest among the groups gnomAD compares: South Asian, 0.0022%; no homozygotes.

Submissions (2):

ClinGen Platelet Disorders Variant Curation Expert Panel, ClinGen
Classification: Pathogenic for Glanzmann thrombasthenia. Last evaluated: 2024-04-16. Review status: reviewed by expert panel. Criteria: ClinGen Platelet ACMG Specifications v2-1. Collection method: curation. Allele origin: germline. Inheritance: Autosomal recessive inheritance.
Comment: The c.1309G>T (p.Glu437Ter) variant in exon 10 is a nonsense variant predicted to cause a premature stop codon in biologically-relevant-exon 10 and is predicted to lead to nonsense mediated decay in a gene in which loss-of-function is an established disease mechanism (PVS1). The highest population minor allele frequency in gnomAD v4.0.0 is 0.00002319 (2/86254 alleles) in the South Asian population, which is lower than the ClinGen PD VCEP threshold (<0.0001; PM2_Supporting). This variant is reported in ClinVar (SCV002546491.1) in a homozygous Glanzmann thrombasthenia patient (PM3_Supporting). In summary, this variant meets the criteria to be classified as Pathogenic for autosomal recessive Glanzmann Thrombasthenia based on the ACMG/AMP criteria applied, as specified by the ClinGen PD VCEP: PVS1, PM3_Supporting, and PM2_Supporting (VCEP specifications version 2; date of approval 04/16/2024).

ISTH-SSC Genomics in Thrombosis and Hemostasis, KU Leuven, Center for Molecular and Vascular Biology
Classification: Likely pathogenic for Glanzmann thrombasthenia 1. Review status: no assertion criteria provided. Collection method: research. Allele origin: unknown. Affected: yes. Not counted in ClinVar's aggregate classification.
Comment: Submitted to GoldVariant by Dr Marie-Christine Morel-Kopp from Northern Blood Research Centre, Sydney, Australia

NM_000212.3(ITGB3):c.1309G>T (p.Glu437Ter)

Gene: ITGB3 (integrin subunit beta 3; plus strand). Cytogenetic location: 17q21.32.
Variant type: single nucleotide variant.
Coding change: c.1309G>T on transcript NM_000212.3 (MANE Select); coding-DNA position 1309, G replaced by T.
Protein change: p.Glu437Ter; replaces glutamic acid 437 with a stop codon.
Molecular consequence: nonsense.
Genome position (GRCh38, 1-based): chr17:47,292,187, G>T. VCF-style: chr17-47292187-G-T. GRCh37 (hg19) VCF-style: chr17-45369553-G-T.
Other names: NM_000212.3(ITGB3):c.1309G>T; p.Glu437Ter; short protein forms E437*.
Identifiers: ClinVar variation 1695377 (VCV001695377.2), dbSNP rs754250394, ClinGen allele CA8623244.